The following is an entry in ClinVar:

NM_015386.3(COG4):c.61T>G (p.Ser21Ala)

Gene: COG4 (component of oligomeric golgi complex 4; minus strand). Cytogenetic location: 16q22.1.
Variant type: single nucleotide variant.
Coding change: c.61T>G on transcript NM_015386.3 (MANE Select); coding-DNA position 61, T replaced by G.
Protein change: p.Ser21Ala; replaces serine 21 with alanine.
Molecular consequence: missense variant. On other transcripts: 5 prime UTR variant (1), non-coding transcript variant (1).
Genome position (GRCh38, 1-based): chr16:70,523,483, A>C on the plus strand (T>G on the coding strand, the complement: COG4 is on the minus strand). VCF-style: chr16-70523483-A-C. GRCh37 (hg19) VCF-style: chr16-70557386-A-C.
Other names: c.49T>G, p.Ser17Ala (NM_001195139.2); c.-539T>G (NM_001365426.1); short protein forms S17A, S21A.
Identifiers: ClinVar variation 4885944 (VCV004885944.2).

ClinVar aggregate classification (germline): Uncertain significance (1 of 4 stars; one submission).

Submission:

Dasa
Classification: Uncertain significance. Last evaluated: 2025-04-10. Review status: criteria provided, single submitter. Criteria: DASA Assertion Criteria. Collection method: clinical testing. Allele origin: germline.
Comment: NM_015386.3(COG4):c.61T>G (p.Ser21Ala) is a missense variant that results in the substitution of serine with alanine. This variant is absent from population databases. Computational prediction algorithms are consistent with a benign effect. The currently available literature and clinical evidence are not sufficient to establish a definitive association between this variant and the reported condition. Therefore, this variant is classified as a variant of uncertain significance.